The following is an entry in ClinVar:

NM_006846.4(SPINK5):c.1480-3C>T

Gene: SPINK5 (serine peptidase inhibitor Kazal type 5; plus strand). Cytogenetic location: 5q32.
Variant type: single nucleotide variant.
Coding change: c.1480-3C>T on transcript NM_006846.4 (MANE Select); 3 bases into the intron before coding-DNA position 1480, C replaced by T.
Molecular consequence: intron variant.
Genome position (GRCh38, 1-based): chr5:148,107,034, C>T. VCF-style: chr5-148107034-C-T. GRCh37 (hg19) VCF-style: chr5-147486597-C-T.
Other names: c.1480-3C>T (NM_001127698.2, NM_001127699.2).
Identifiers: ClinVar variation 1493305 (VCV001493305.7), dbSNP rs765586289, ClinGen allele CA3495637.

ClinVar aggregate classification (germline): Conflicting classifications of pathogenicity. Review status: criteria provided, conflicting classifications (1 of 4 stars). 2 submissions from 2 submitters: Uncertain significance (1); Likely benign (1). Last evaluated 2024-03-15.

Conditions:
Ichthyosis linearis circumflexa. Identifiers: MedGen C0265962, MONDO:0043106, HP:0025810.

Allele frequency attached by ClinVar (database versions not stated): ExAC 0.00001; gnomAD exomes 0.00003 and 0.00011; TOPMed 0.00021; gnomAD 0.00027 and 0.00029.
gnomAD v4.1: 92 of 1,611,886 alleles (0.0057%); highest among the groups gnomAD compares: Admixed American, 0.14%; no homozygotes.

Submissions (2):

Blueprint Genetics
Classification: Likely benign. Last evaluated: 2024-03-15. Review status: criteria provided, single submitter. Criteria: ACMG Guidelines, 2015. Collection method: clinical testing. Allele origin: germline.

Labcorp Genetics (formerly Invitae), Labcorp
Classification: Uncertain significance for Ichthyosis linearis circumflexa. Last evaluated: 2023-07-29. Review status: criteria provided, single submitter. Criteria: Invitae Variant Classification Sherloc (09022015). Collection method: clinical testing. Allele origin: germline.
Comment: In summary, the available evidence is currently insufficient to determine the role of this variant in disease. Therefore, it has been classified as a Variant of Uncertain Significance. Variants that disrupt the consensus splice site are a relatively common cause of aberrant splicing (PMID: 17576681, 9536098). Algorithms developed to predict the effect of sequence changes on RNA splicing suggest that this variant is not likely to affect RNA splicing. ClinVar contains an entry for this variant (Variation ID: 1493305). This variant has not been reported in the literature in individuals affected with SPINK5-related conditions. This variant is present in population databases (rs765586289, gnomAD 0.08%). This sequence change falls in intron 16 of the SPINK5 gene. It does not directly change the encoded amino acid sequence of the SPINK5 protein. It affects a nucleotide within the consensus splice site.

Literature cited by the submitters: PubMed 17576681 (cited by Labcorp Genetics (formerly Invitae), Labcorp); PubMed 9536098 (cited by Labcorp Genetics (formerly Invitae), Labcorp).